The following is an entry in ClinVar:

NM_024753.5(TTC21B):c.2692C>T (p.Arg898Ter)

Gene: TTC21B (tetratricopeptide repeat domain 21B; minus strand). Cytogenetic location: 2q24.3.
Variant type: single nucleotide variant.
Coding change: c.2692C>T on transcript NM_024753.5 (MANE Select); coding-DNA position 2692, C replaced by T.
Protein change: p.Arg898Ter; replaces arginine 898 with a stop codon.
Molecular consequence: nonsense.
Genome position (GRCh38, 1-based): chr2:165,901,787, G>A on the plus strand (C>T on the coding strand, the complement: TTC21B is on the minus strand). VCF-style: chr2-165901787-G-A. GRCh37 (hg19) VCF-style: chr2-166758297-G-A.
Other names: short protein forms R898*.
Identifiers: ClinVar variation 1457474 (VCV001457474.6), dbSNP rs1685569880, ClinGen allele CA349052466.

ClinVar aggregate classification (germline): Pathogenic (1 of 4 stars; one submission).

Conditions:
Jeune thoracic dystrophy. Also called: Jeune syndrome; Infantile thoracic dystrophy; Thoracic pelvic phalangeal dystrophy; Jeune's syndrome; Chondroectodermal dysplasia-like syndrome; Short-rib thoracic dysplasia. Identifiers: Orphanet 474, MedGen C0265275, MONDO:0018770.
Nephronophthisis. Also called: Juvenile Nephronophthisis. Identifiers: Orphanet 655, MedGen C0687120, MONDO:0019005, HP:0000090.

Allele frequency attached by ClinVar (database versions not stated): TOPMed below 0.00001; gnomAD exomes 0.00001.
gnomAD v4.1: 12 of 1,613,970 alleles (0.00074%); highest among the groups gnomAD compares: South Asian, 0.0033%; no homozygotes.

Submission:

Labcorp Genetics (formerly Invitae), Labcorp
Classification: Pathogenic for Jeune thoracic dystrophy; Nephronophthisis. Last evaluated: 2022-03-02. Review status: criteria provided, single submitter. Criteria: Invitae Variant Classification Sherloc (09022015). Collection method: clinical testing. Allele origin: germline.
Comment: For these reasons, this variant has been classified as Pathogenic. Algorithms developed to predict the effect of sequence changes on RNA splicing suggest that this variant may create or strengthen a splice site. This variant has not been reported in the literature in individuals affected with TTC21B-related conditions. This variant is not present in population databases (gnomAD no frequency). This sequence change creates a premature translational stop signal (p.Arg898*) in the TTC21B gene. It is expected to result in an absent or disrupted protein product. Loss-of-function variants in TTC21B are known to be pathogenic (PMID: 18327258, 21068128, 21258341, 23559409, 24876116, 25492405, 27491411, 29068549).

Literature cited by the submitters: PubMed 18327258; PubMed 21068128; PubMed 21258341; PubMed 23559409; PubMed 24876116; PubMed 25492405; PubMed 27491411; PubMed 29068549.